The following is an entry in ClinVar:

ClinVar aggregate classification (germline): Pathogenic (1 of 4 stars; one submission).

Conditions:
Joubert syndrome. Also called: CEREBELLOPARENCHYMAL DISORDER IV; JOUBERT-BOLTSHAUSER SYNDROME; Familial aplasia of the vermis. Identifiers: Orphanet 475, MedGen C5979921, MONDO:0018772.
Meckel-Gruber syndrome. Also called: DYSENCEPHALIA SPLANCHNOCYSTICA; GRUBER SYNDROME; Dysencephalia splachnocystica. Identifiers: Orphanet 564, MedGen C0265215, MONDO:0018921.

Submission:

Labcorp Genetics (formerly Invitae), Labcorp
Classification: Pathogenic for Joubert syndrome; Meckel-Gruber syndrome. Last evaluated: 2022-10-05. Review status: criteria provided, single submitter. Criteria: Invitae Variant Classification Sherloc (09022015). Collection method: clinical testing. Allele origin: germline.
Comment: For these reasons, this variant has been classified as Pathogenic. This variant disrupts a region of the TMEM67 protein in which other variant(s) (p.Glu124Lys) have been determined to be pathogenic (PMID: 20232449). This suggests that this is a clinically significant region of the protein, and that variants that disrupt it are likely to be disease-causing. This variant has not been reported in the literature in individuals affected with TMEM67-related conditions. This variant is a gross deletion of the genomic region encompassing exon(s) 3-6 of the TMEM67 gene. This variant would be expected to be in-frame, preserving the integrity of the reading frame.

Literature cited by the submitters: PubMed 20232449.

NC_000008.10:g.(?_94770691)_(94777894_?)del

Gene: TMEM67 (transmembrane protein 67; plus strand). Cytogenetic location: 8q22.1.
Variant type: Deletion.
Identifiers: ClinVar variation 2427441 (VCV002427441.6).